The following is an entry in ClinVar:

NM_000143.4(FH):c.449del (p.Asn150fs)

Gene: FH (fumarate hydratase; minus strand). Cytogenetic location: 1q43.
Variant type: Deletion.
Coding change: c.449del on transcript NM_000143.4 (MANE Select); coding-DNA position 449, one base deleted (A; older notation c.449delA).
Protein change: p.Asn150fs; shifts the reading frame from asparagine 150.
Molecular consequence: frameshift variant.
Genome position (GRCh38, 1-based): chr1:241,512,073, T deleted on the plus strand (A on the coding strand, the reverse complement: FH is on the minus strand); the first of 3 consecutive T bases (chr1:241,512,073-241,512,075); deleting any one gives the same sequence. VCF-style (leftmost placement, unchanged base first): chr1-241512072-AT-A. GRCh37 (hg19) VCF-style: chr1-241675372-AT-A.
Other names: c.449delA (NM_000143.3); short protein forms N150fs.
Identifiers: ClinVar variation 4871336 (VCV004871336.1).

ClinVar aggregate classification (germline): Pathogenic (1 of 4 stars; one submission).

Conditions:
Hereditary cancer-predisposing syndrome. Also called: Neoplastic Syndromes, Hereditary; Hereditary Cancer Syndrome; Hereditary neoplastic syndrome; Tumor predisposition. Identifiers: Orphanet 140162, MedGen C0027672, MeSH D009386, MONDO:0015356.

Submission:

Ambry Genetics
Classification: Pathogenic for Hereditary cancer-predisposing syndrome. Last evaluated: 2026-06-12. Review status: criteria provided, single submitter. Criteria: Ambry Variant Classification Scheme 2023. Collection method: clinical testing. Allele origin: germline.
Comment: The c.449delA pathogenic mutation, located in coding exon 4 of the FH gene, results from a deletion of one nucleotide at nucleotide position 449, causing a translational frameshift with a predicted alternate stop codon (p.N150Ifs*2). This variant is considered to be rare based on population cohorts in the Genome Aggregation Database (gnomAD). This alteration is expected to result in loss of function by premature protein truncation or nonsense-mediated mRNA decay. As such, this alteration is interpreted as a disease-causing mutation.